The following is an entry in ClinVar:

NM_000245.4(MET):c.4145G>C (p.Arg1382Pro)

Gene: MET (MET proto-oncogene, receptor tyrosine kinase; plus strand). Cytogenetic location: 7q31.2.
Variant type: single nucleotide variant.
Coding change: c.4145G>C on transcript NM_000245.4 (MANE Select); coding-DNA position 4145, G replaced by C.
Protein change: p.Arg1382Pro; replaces arginine 1382 with proline.
Molecular consequence: missense variant.
Genome position (GRCh38, 1-based): chr7:116,796,096, G>C. VCF-style: chr7-116796096-G-C. GRCh37 (hg19) VCF-style: chr7-116436150-G-C.
Other names: c.4199G>C, p.Arg1400Pro (NM_001127500.3); c.2855G>C, p.Arg952Pro (NM_001324402.2); c.4199G>C (LRG_662t1); short protein forms R1400P, R1382P, R952P.
Identifiers: ClinVar variation 569622 (VCV000569622.18), dbSNP rs752694306, ClinGen allele CA369118486.
Genomic context (GRCh38, chr7:116,796,096, plus strand): 5'-TCGCTCCGTATCCTTCTCTGTTGTCATCAGAAGATAACGCTGATGATGAGGTGGACACAC[G>C]ACCAGCCTCCTTCTGGGAGACATCATAGTGCTAGTACTATGTCAAAGCAACAGTCCACAC-3'
Protein context (NP_000236.2, residues 1372-1390): EDNADDEVDT[Arg1382Pro]PASFWETS

ClinVar aggregate classification (germline): Uncertain significance. Review status: criteria provided, multiple submitters, no conflicts (2 of 4 stars). 5 submissions from 5 submitters: Uncertain significance (5). Last evaluated 2026-10-01.

Conditions:
Hereditary cancer-predisposing syndrome. Also called: Hereditary Cancer Syndrome; Neoplastic Syndromes, Hereditary; Tumor predisposition; Hereditary neoplastic syndrome. Identifiers: Orphanet 140162, MedGen C0027672, MeSH D009386, MONDO:0015356.
Renal cell carcinoma. Identifiers: Orphanet 217071, MedGen C0007134, MeSH D002292, MONDO:0005086, HP:0005584.
Papillary renal cell carcinoma type 1 (RCCP1). Also called: Renal adenocarcinoma; Renal cell carcinoma 1; Renal cell carcinoma, somatic; RENAL CELL CARCINOMA, PAPILLARY, 1, SOMATIC. Identifiers: Orphanet 47044, MedGen C1336839, OMIM 605074, HP:0011797.
Autosomal recessive nonsyndromic hearing loss 97. Also called: Deafness, autosomal recessive 97. Identifiers: Orphanet 90636, MedGen C4084709, MONDO:0014739, OMIM 616705.

Allele frequency attached by ClinVar (database versions not stated): TOPMed 0.00001.

Submissions (5):

St. Jude Molecular Pathology, St. Jude Children's Research Hospital
Classification: Uncertain significance for Papillary renal cell carcinoma type 1. Last evaluated: 2026-10-01. Review status: criteria provided, single submitter. Criteria: St. Jude Assertion Criteria 2020. Collection method: clinical testing. Allele origin: germline.
Comment: The MET c.4199G>C p.(Arg1400Pro) missense change is absent in gnomAD v2.1.1. The in silico tool REVEL predicts a benign effect on protein function, but to our knowledge this prediction has not been confirmed by func tional studies. To our knowledge, this variant has not been reported in the literature in individuals with hereditary papillary renal cell carcinoma. In summary, the evidence currently available is insufficient to determine the clinical significance of t his variant. It has therefore been classified as of uncertain significance (VUS-Low).

Ambry Genetics
Classification: Uncertain significance for Hereditary cancer-predisposing syndrome. Last evaluated: 2025-10-07. Review status: criteria provided, single submitter. Criteria: Ambry Variant Classification Scheme 2023. Collection method: clinical testing. Allele origin: germline.
Comment: The p.R1400P variant (also known as c.4199G>C), located in coding exon 20 of the MET gene, results from a G to C substitution at nucleotide position 4199. The arginine at codon 1400 is replaced by proline, an amino acid with dissimilar properties. This amino acid position is poorly conserved in available vertebrate species. In addition, this alteration is predicted to be tolerated by in silico analysis. Since supporting evidence is limited at this time, the clinical significance of this alteration remains unclear.

Labcorp Genetics (formerly Invitae), Labcorp
Classification: Uncertain significance for Renal cell carcinoma. Last evaluated: 2025-09-02. Review status: criteria provided, single submitter. Criteria: Invitae Variant Classification Sherloc (09022015). Collection method: clinical testing. Allele origin: germline.
Comment: This sequence change replaces arginine, which is basic and polar, with proline, which is neutral and non-polar, at codon 1400 of the MET protein (p.Arg1400Pro). This variant is not present in population databases (gnomAD no frequency). This variant has not been reported in the literature in individuals affected with MET-related conditions. ClinVar contains an entry for this variant (Variation ID: 569622). Experimental studies and prediction algorithms are not available or were not evaluated, and the functional significance of this variant is currently unknown. In summary, the available evidence is currently insufficient to determine the role of this variant in disease. Therefore, it has been classified as a Variant of Uncertain Significance.

Baylor Genetics
Classification: Uncertain significance for Autosomal recessive nonsyndromic hearing loss 97. Last evaluated: 2023-10-25. Review status: criteria provided, single submitter. Criteria: ACMG Guidelines, 2015. Collection method: clinical testing. Allele origin: unknown.

GeneDx
Classification: Uncertain significance. Last evaluated: 2022-08-03. Review status: criteria provided, single submitter. Criteria: GeneDx Variant Classification Process June 2021. Collection method: clinical testing. Allele origin: germline. Affected: yes.
Comment: Not observed at significant frequency in large population cohorts (gnomAD); In silico analysis supports that this missense variant does not alter protein structure/function; Has not been previously published as pathogenic or benign to our knowledge